The following is an entry in ClinVar:

ClinVar aggregate classification (germline): Pathogenic (1 of 4 stars; one submission).

Conditions:
Ehlers-Danlos syndrome, classic type, 1 (EDSCL1). Also called: EHLERS-DANLOS SYNDROME, GRAVIS TYPE; EHLERS-DANLOS SYNDROME, SEVERE CLASSIC TYPE; EDS I; Ehlers-Danlos Syndrome, Classic Type, COL5A1-Related; Ehlers-Danlos syndrome, type 1. Identifiers: MedGen C0268335, MONDO:0019567, OMIM 130000.

Submission:

Labcorp Genetics (formerly Invitae), Labcorp
Classification: Pathogenic for Ehlers-Danlos syndrome, classic type, 1. Last evaluated: 2020-06-18. Review status: criteria provided, single submitter. Criteria: Invitae Variant Classification Sherloc (09022015). Collection method: clinical testing. Allele origin: germline.
Comment: This sequence change creates a premature translational stop signal (p.Gly1153Trpfs*6) in the COL5A1 gene. It is expected to result in an absent or disrupted protein product. This variant is not present in population databases (ExAC no frequency). This variant has not been reported in the literature in individuals with COL5A1-related conditions. Loss-of-function variants in COL5A1 are known to be pathogenic (PMID: 23587214). For these reasons, this variant has been classified as Pathogenic.

Literature cited by the submitters: PubMed 23587214.

NM_000093.5(COL5A1):c.3455dup (p.Gly1153fs)

Gene: COL5A1 (collagen type V alpha 1 chain; plus strand). Cytogenetic location: 9q34.3.
Variant type: Duplication.
Coding change: c.3455dup on transcript NM_000093.5 (MANE Select); coding-DNA position 3455, one base duplicated (C; older notation c.3455dupC).
Protein change: p.Gly1153fs; shifts the reading frame from glycine 1153.
Molecular consequence: frameshift variant.
Genome position (GRCh38, 1-based): chr9:134,809,271, C duplicated; the last of 5 consecutive C bases (chr9:134,809,267-134,809,271); duplicating any one gives the same sequence. VCF-style (leftmost placement, unchanged base first): chr9-134809266-T-TC. GRCh37 (hg19) VCF-style: chr9-137701112-T-TC.
Other names: c.3455dup, p.Gly1153fs (NM_001278074.1); short protein forms G1153fs.
Identifiers: ClinVar variation 1073542 (VCV001073542.8), dbSNP rs2132838808, ClinGen allele CA2499219759.
Genomic context (GRCh38, chr9:134,809,266, plus strand): 5'-AGCTGGCCGAGACGGTCTCCAGGGGCCTGTGGGGCTCCCGGGTCCAGCTGGCCCTGTGGG[T>TC]CCCCCTGGAGAAGACGGAGATAAGGTAAGGCAAATCCAGAGTGACCCATGGCTGGGCCTG-3'